The following is an entry in ClinVar:

ClinVar aggregate classification (germline): Pathogenic (1 of 4 stars; one submission).

Submission:

Labcorp Genetics (formerly Invitae), Labcorp
Classification: Pathogenic. Last evaluated: 2023-09-26. Review status: criteria provided, single submitter. Criteria: Invitae Variant Classification Sherloc (09022015). Collection method: clinical testing. Allele origin: unknown.
Comment: This variant is a gross deletion of the genomic region encompassing exon(s) 33 of the PCDH15 gene, which includes the termination codon. This deletion extends beyond the assayed region for this gene and therefore may encompass additional genes. While this deletion is not anticipated to lead to nonsense mediated decay, it is expected to alter mRNA translation or result in a truncated protein product. This variant has not been reported in the literature in individuals affected with PCDH15-related conditions. This variant disrupts a region of the PCDH15 protein in which other variant(s) (p.Gln1576*) have been determined to be pathogenic (PMID: 28281779). This suggests that this is a clinically significant region of the protein, and that variants that disrupt it are likely to be disease-causing. For these reasons, this variant has been classified as Pathogenic.

Literature cited by the submitters: PubMed 28281779.

NC_000010.10:g.(?_55581618)_(55583138_?)del

Gene: PCDH15 (protocadherin related 15; minus strand). Cytogenetic location: 10q21.1.
Variant type: Deletion.
Identifiers: ClinVar variation 3245016 (VCV003245016.1).